The following is an entry in ClinVar:

ClinVar aggregate classification (germline): Uncertain significance (1 of 4 stars; one submission).

gnomAD v4.1: 14 of 1,613,754 alleles (0.00087%); highest among the groups gnomAD compares: Non-Finnish European, 0.0011%; no homozygotes.

Submission:

Labcorp Genetics (formerly Invitae), Labcorp
Classification: Uncertain significance. Last evaluated: 2024-03-07. Review status: criteria provided, single submitter. Criteria: Invitae Variant Classification Sherloc (09022015). Collection method: clinical testing. Allele origin: germline.
Comment: This sequence change replaces arginine, which is basic and polar, with tryptophan, which is neutral and slightly polar, at codon 332 of the COMP protein (p.Arg332Trp). The frequency data for this variant in the population databases is considered unreliable, as metrics indicate poor data quality at this position in the gnomAD database. This variant has not been reported in the literature in individuals affected with COMP-related conditions. Advanced modeling of protein sequence and biophysical properties (such as structural, functional, and spatial information, amino acid conservation, physicochemical variation, residue mobility, and thermodynamic stability) performed at Invitae indicates that this missense variant is not expected to disrupt COMP protein function with a negative predictive value of 80%. In summary, the available evidence is currently insufficient to determine the role of this variant in disease. Therefore, it has been classified as a Variant of Uncertain Significance.

NM_000095.3(COMP):c.994C>T (p.Arg332Trp)

Gene: COMP (cartilage oligomeric matrix protein; minus strand). Cytogenetic location: 19p13.11.
Variant type: single nucleotide variant.
Coding change: c.994C>T on transcript NM_000095.3 (MANE Select); coding-DNA position 994, C replaced by T.
Protein change: p.Arg332Trp; replaces arginine 332 with tryptophan.
Molecular consequence: missense variant.
Genome position (GRCh38, 1-based): chr19:18,787,632, G>A on the plus strand (C>T on the coding strand, the complement: COMP is on the minus strand). VCF-style: chr19-18787632-G-A. GRCh37 (hg19) VCF-style: chr19-18898441-G-A.
Other names: short protein forms R332W.
Identifiers: ClinVar variation 3608793 (VCV003608793.2).